The following is an entry in ClinVar:

ClinVar aggregate classification (germline): Uncertain significance (1 of 4 stars; one submission).

Conditions:
Long QT syndrome (LQTS). Identifiers: MedGen C0023976, MeSH D008133, MONDO:0002442. Disease mechanism: loss of function. Inheritance: Various modes of inheritance.

Submission:

Labcorp Genetics (formerly Invitae), Labcorp
Classification: Uncertain significance for Long QT syndrome. Last evaluated: 2024-01-03. Review status: criteria provided, single submitter. Criteria: Invitae Variant Classification Sherloc (09022015). Collection method: clinical testing. Allele origin: unknown.
Comment: This variant is a gross deletion of the genomic region encompassing exon(s) 21-50 of the AKAP9 gene, which includes the termination codon. This deletion extends beyond the assayed region for this gene and therefore may encompass additional genes. While this deletion is not anticipated to lead to nonsense mediated decay, it is expected to alter mRNA translation or result in a truncated protein product. This variant has not been reported in the literature in individuals affected with AKAP9-related conditions. Experimental studies and prediction algorithms are not available or were not evaluated, and the functional significance of this variant is currently unknown. In summary, the available evidence is currently insufficient to determine the role of this variant in disease. Therefore, it has been classified as a Variant of Uncertain Significance.

NC_000007.13:g.(?_91674302)_(91739473_?)del

Gene: AKAP9 (A-kinase anchoring protein 9; plus strand). Cytogenetic location: 7q21.2.
Variant type: Deletion.
Identifiers: ClinVar variation 3245704 (VCV003245704.1).